The following is an entry in ClinVar:

NM_005560.6(LAMA5):c.1192-20A>C

Gene: LAMA5 (laminin subunit alpha 5; minus strand). Cytogenetic location: 20q13.33.
Variant type: single nucleotide variant.
Coding change: c.1192-20A>C on transcript NM_005560.6 (MANE Select); 20 bases into the intron before coding-DNA position 1192, A replaced by C.
Molecular consequence: intron variant.
Genome position (GRCh38, 1-based): chr20:62,346,616, T>G on the plus strand (A>C on the coding strand, the complement: LAMA5 is on the minus strand). VCF-style: chr20-62346616-T-G. GRCh37 (hg19) VCF-style: chr20-60921672-T-G.
Identifiers: ClinVar variation 3725533 (VCV003725533.2).

ClinVar aggregate classification (germline): Uncertain significance (1 of 4 stars; one submission).

Submission:

Labcorp Genetics (formerly Invitae), Labcorp
Classification: Uncertain significance. Last evaluated: 2025-01-20. Review status: criteria provided, single submitter. Criteria: Invitae Variant Classification Sherloc (09022015). Collection method: clinical testing. Allele origin: germline.
Comment: This sequence change falls in intron 8 of the LAMA5 gene. It does not directly change the encoded amino acid sequence of the LAMA5 protein. This variant is not present in population databases (gnomAD no frequency). This variant has not been reported in the literature in individuals affected with LAMA5-related conditions. Algorithms developed to predict the effect of sequence changes on RNA splicing suggest that this variant may disrupt the consensus splice site. In summary, the available evidence is currently insufficient to determine the role of this variant in disease. Therefore, it has been classified as a Variant of Uncertain Significance.